The following is an entry in ClinVar:

ClinVar aggregate classification (germline): Uncertain significance (1 of 4 stars; one submission).

Allele frequency attached by ClinVar (database versions not stated): TOPMed below 0.00001; gnomAD 0.00001; gnomAD exomes 0.00001.
gnomAD v4.1: 11 of 1,611,330 alleles (0.00068%); highest among the groups gnomAD compares: African/African-American, 0.0013%; no homozygotes.

Submission:

Labcorp Genetics (formerly Invitae), Labcorp
Classification: Uncertain significance. Last evaluated: 2022-12-29. Review status: criteria provided, single submitter. Criteria: Invitae Variant Classification Sherloc (09022015). Collection method: clinical testing. Allele origin: germline.
Comment: In summary, the available evidence is currently insufficient to determine the role of this variant in disease. Therefore, it has been classified as a Variant of Uncertain Significance. Advanced modeling of protein sequence and biophysical properties (such as structural, functional, and spatial information, amino acid conservation, physicochemical variation, residue mobility, and thermodynamic stability) performed at Invitae indicates that this missense variant is expected to disrupt MYSM1 protein function. This variant has not been reported in the literature in individuals affected with MYSM1-related conditions. This variant is not present in population databases (gnomAD no frequency). This sequence change replaces glycine, which is neutral and non-polar, with valine, which is neutral and non-polar, at codon 436 of the MYSM1 protein (p.Gly436Val).

NM_001085487.3(MYSM1):c.1307G>T (p.Gly436Val)

Gene: MYSM1 (Myb like, SWIRM and MPN domains 1; minus strand). Cytogenetic location: 1p32.1.
Variant type: single nucleotide variant.
Coding change: c.1307G>T on transcript NM_001085487.3 (MANE Select); coding-DNA position 1307, G replaced by T.
Protein change: p.Gly436Val; replaces glycine 436 with valine.
Molecular consequence: missense variant.
Genome position (GRCh38, 1-based): chr1:58,677,009, C>A on the plus strand (G>T on the coding strand, the complement: MYSM1 is on the minus strand). VCF-style: chr1-58677009-C-A. GRCh37 (hg19) VCF-style: chr1-59142681-C-A.
Other names: short protein forms G436V.
Identifiers: ClinVar variation 2908747 (VCV002908747.3), dbSNP rs1644663803, ClinGen allele CA340521858.